The following is an entry in ClinVar:

NM_001370466.1(NOD2):c.29A>G (p.Gln10Arg)

Gene: NOD2 (nucleotide binding oligomerization domain containing 2; plus strand). Cytogenetic location: 16q12.1.
Variant type: single nucleotide variant.
Coding change: c.29A>G on transcript NM_001370466.1 (MANE Select); coding-DNA position 29, A replaced by G.
Protein change: p.Gln10Arg; replaces glutamine 10 with arginine.
Molecular consequence: missense variant. On other transcripts: non-coding transcript variant (1).
Genome position (GRCh38, 1-based): chr16:50,699,524, A>G. VCF-style: chr16-50699524-A-G. GRCh37 (hg19) VCF-style: chr16-50733435-A-G.
Other names: c.29A>G, p.Gln10Arg (NM_001293557.2); c.110A>G, p.Gln37Arg (NM_022162.3); short protein forms Q10R, Q37R.
Identifiers: ClinVar variation 2939466 (VCV002939466.3), dbSNP rs1294855545, ClinGen allele CA395865309.

ClinVar aggregate classification (germline): Uncertain significance (1 of 4 stars; one submission).

Conditions:
Regional enteritis. Also called: Enteritis, Granulomatous. Identifiers: MedGen C0678202, MeSH D003424.
Blau syndrome (BLAUS). Also called: ARTHROCUTANEOUVEAL GRANULOMATOSIS; GRANULOMATOSIS, FAMILIAL JUVENILE SYSTEMIC; GRANULOMATOSIS, FAMILIAL, BLAU TYPE; GRANULOMATOUS INFLAMMATORY ARTHRITIS, DERMATITIS, AND UVEITIS, FAMILIAL; JABS SYNDROME. Identifiers: Orphanet 90340, MedGen C5201146, MONDO:0008523, OMIM 186580.

Allele frequency attached by ClinVar (database versions not stated): TOPMed below 0.00001; gnomAD 0.00001; gnomAD exomes 0.00002.
gnomAD v4.1: 25 of 1,613,694 alleles (0.0015%); highest among the groups gnomAD compares: Non-Finnish European, 0.0019%; no homozygotes.

Submission:

Labcorp Genetics (formerly Invitae), Labcorp
Classification: Uncertain significance for Regional enteritis; Blau syndrome. Last evaluated: 2023-10-25. Review status: criteria provided, single submitter. Criteria: Invitae Variant Classification Sherloc (09022015). Collection method: clinical testing. Allele origin: germline.
Comment: This sequence change replaces glutamine, which is neutral and polar, with arginine, which is basic and polar, at codon 37 of the NOD2 protein (p.Gln37Arg). This variant is present in population databases (no rsID available, gnomAD 0.002%). This variant has not been reported in the literature in individuals affected with NOD2-related conditions. Advanced modeling of protein sequence and biophysical properties (such as structural, functional, and spatial information, amino acid conservation, physicochemical variation, residue mobility, and thermodynamic stability) performed at Invitae indicates that this missense variant is not expected to disrupt NOD2 protein function with a negative predictive value of 95%. In summary, the available evidence is currently insufficient to determine the role of this variant in disease. Therefore, it has been classified as a Variant of Uncertain Significance.